The following is an entry in ClinVar:

ClinVar aggregate classification (germline): Uncertain significance. Review status: criteria provided, multiple submitters, no conflicts (2 of 4 stars). 4 submissions from 4 submitters: Uncertain significance (3). 1 of the submissions does not count toward it. Last evaluated 2025-11-26.

Conditions:
CEP290-related disorder. Also called: CEP290-related condition; CEP290-related disorders. Identifiers: MedGen CN239314.
Joubert syndrome. Also called: CEREBELLOPARENCHYMAL DISORDER IV; JOUBERT-BOLTSHAUSER SYNDROME; Familial aplasia of the vermis. Identifiers: Orphanet 475, MedGen C5979921, MONDO:0018772.
Meckel-Gruber syndrome. Also called: DYSENCEPHALIA SPLANCHNOCYSTICA; GRUBER SYNDROME; Dysencephalia splachnocystica. Identifiers: Orphanet 564, MedGen C0265215, MONDO:0018921.
Nephronophthisis. Also called: Juvenile Nephronophthisis. Identifiers: Orphanet 655, MedGen C0687120, MONDO:0019005, HP:0000090.
Joubert syndrome 5 (JBTS5). Identifiers: Orphanet 2318, MedGen C1857780, MONDO:0012432, OMIM 610188.
Senior-Loken syndrome 6 (SLSN6). Identifiers: Orphanet 3156, MedGen C1857779, MONDO:0012433, OMIM 610189.
Bardet-Biedl syndrome 14 (BBS14). Identifiers: Orphanet 110, MedGen C2673874, MONDO:0014442, OMIM 615991.
Leber congenital amaurosis 10 (LCA10). Identifiers: Orphanet 65, MedGen C1857821, MONDO:0012723, OMIM 611755.
Meckel syndrome, type 4 (MKS4). Also called: MECKEL-GRUBER SYNDROME, TYPE 4. Identifiers: Orphanet 564, MedGen C1970161, MONDO:0012626, OMIM 611134.
Inborn genetic diseases. Identifiers: MedGen C0950123, MeSH D030342.

Allele frequency attached by ClinVar (database versions not stated): gnomAD exomes below 0.00001; gnomAD 0.00001; ExAC 0.00004.
gnomAD v4.1: 7 of 1,553,166 alleles (0.00045%); highest among the groups gnomAD compares: African/African-American, 0.0014%; no homozygotes.

Submissions (4):

Ambry Genetics
Classification: Uncertain significance for Inborn genetic diseases. Last evaluated: 2025-11-26. Review status: criteria provided, single submitter. Criteria: Ambry Variant Classification Scheme 2023. Collection method: clinical testing. Allele origin: germline.

Fulgent Genetics
Classification: Uncertain significance for Joubert syndrome 5; Senior-Loken syndrome 6; Meckel syndrome, type 4; Leber congenital amaurosis 10; Bardet-Biedl syndrome 14. Last evaluated: 2024-02-29. Review status: criteria provided, single submitter. Criteria: ACMG Guidelines, 2015. Collection method: clinical testing. Allele origin: germline.

Labcorp Genetics (formerly Invitae), Labcorp
Classification: Uncertain significance for Joubert syndrome; Meckel-Gruber syndrome; Nephronophthisis. Last evaluated: 2022-07-30. Review status: criteria provided, single submitter. Criteria: Invitae Variant Classification Sherloc (09022015). Collection method: clinical testing. Allele origin: germline.
Comment: This sequence change replaces serine, which is neutral and polar, with arginine, which is basic and polar, at codon 2123 of the CEP290 protein (p.Ser2123Arg). This variant is present in population databases (rs750473077, gnomAD 0.009%). This variant has not been reported in the literature in individuals affected with CEP290-related conditions. Algorithms developed to predict the effect of missense changes on protein structure and function are either unavailable or do not agree on the potential impact of this missense change (SIFT: "Deleterious"; PolyPhen-2: "Probably Damaging"; Align-GVGD: "Class C0"). In summary, the available evidence is currently insufficient to determine the role of this variant in disease. Therefore, it has been classified as a Variant of Uncertain Significance.

PreventionGenetics, part of Exact Sciences
Classification: Uncertain significance for CEP290-related condition. Last evaluated: 2024-02-02. Review status: no assertion criteria provided. Collection method: clinical testing. Allele origin: germline. Not counted in ClinVar's aggregate classification.
Comment: The CEP290 c.6369T>G variant is predicted to result in the amino acid substitution p.Ser2123Arg. To our knowledge, this variant has not been reported in the literature. This variant is reported in 0.0092% of alleles in individuals of African descent in gnomAD. At this time, the clinical significance of this variant is uncertain due to the absence of conclusive functional and genetic evidence.

NM_025114.4(CEP290):c.6369T>G (p.Ser2123Arg)

Gene: CEP290 (centrosomal protein 290; minus strand). Cytogenetic location: 12q21.32.
Variant type: single nucleotide variant.
Coding change: c.6369T>G on transcript NM_025114.4 (MANE Select); coding-DNA position 6369, T replaced by G.
Protein change: p.Ser2123Arg; replaces serine 2123 with arginine.
Molecular consequence: missense variant.
Genome position (GRCh38, 1-based): chr12:88,060,983, A>C on the plus strand (T>G on the coding strand, the complement: CEP290 is on the minus strand). VCF-style: chr12-88060983-A-C. GRCh37 (hg19) VCF-style: chr12-88454760-A-C.
Other names: short protein forms S2123R.
Identifiers: ClinVar variation 1906063 (VCV001906063.7), dbSNP rs750473077, ClinGen allele CA6711504.
Genomic context (GRCh38, chr12:88,060,983, plus strand): 5'-TTTTTCAACTACTTTTTTCATTAAACCAATGGTTTTTTCCAGTTCTGGGATTGTCTTTCC[A>C]CTTCTACCAGACTACGAAAGAATATGTTAAATCTTTAATCAAATATTTTAGTAAGTATAA-3'
Protein context (NP_079390.3, residues 2113-2133): KLGHVRGSGR[Ser2123Arg]GKTIPELEKT